The following is an entry in ClinVar:

NM_001256545.2(MEGF10):c.609C>T (p.Cys203=)

Gene: MEGF10 (multiple EGF like domains 10; plus strand). Cytogenetic location: 5q23.2.
Variant type: single nucleotide variant.
Coding change: c.609C>T on transcript NM_001256545.2 (MANE Select); coding-DNA position 609, C replaced by T.
Protein change: p.Cys203=; no amino-acid change (cysteine 203 retained).
Molecular consequence: synonymous variant.
Genome position (GRCh38, 1-based): chr5:127,396,728, C>T. VCF-style: chr5-127396728-C-T. GRCh37 (hg19) VCF-style: chr5-126732420-C-T.
Other names: p.Cys203=; c.609C>T, p.Cys203= (NM_001308119.2, NM_001308121.2, NM_032446.3).
Identifiers: ClinVar variation 262078 (VCV000262078.59), dbSNP rs113794264, ClinGen allele CA3391341.

ClinVar aggregate classification (germline): Conflicting classifications of pathogenicity. Review status: criteria provided, conflicting classifications (1 of 4 stars). 8 submissions from 8 submitters: Uncertain significance (1); Benign (7). Last evaluated 2026-09-01.

Conditions:
MEGF10-related myopathy (CMYO10A). Also called: Congenital myopathy 10A, severe variant. Identifiers: Orphanet 439212, MedGen C3280679, MONDO:0013731, OMIM 614399.

Allele frequency attached by ClinVar (database versions not stated): 1000 Genomes Project 30x 0.00390; 1000 Genomes Project 0.00439; ExAC 0.00801; gnomAD 0.00817 and 0.00845; TOPMed 0.00821; gnomAD exomes 0.00858; ESP Exome Variant Server 0.00892.

Submissions (8):

CeGaT Center for Human Genetics Tuebingen
Classification: Benign. Last evaluated: 2026-09-01. Review status: criteria provided, single submitter. Criteria: CeGaT Center For Human Genetics Tuebingen Variant Classification Criteria Version 2. Collection method: clinical testing. Allele origin: germline. Affected: yes. Observed: 23 variant alleles.
Comment: MEGF10: BP4, BP7, BS1, BS2

Labcorp Genetics (formerly Invitae), Labcorp
Classification: Benign for MEGF10-related myopathy. Last evaluated: 2026-02-02. Review status: criteria provided, single submitter. Criteria: Invitae Variant Classification Sherloc (09022015). Collection method: clinical testing. Allele origin: germline.

Athena Diagnostics
Classification: Benign. Last evaluated: 2019-12-26. Review status: criteria provided, single submitter. Criteria: Athena Diagnostics Criteria. Collection method: clinical testing. Allele origin: unknown.

Genetic Services Laboratory, University of Chicago
Classification: Benign. Last evaluated: 2018-04-05. Review status: criteria provided, single submitter. Criteria: ACMG Guidelines, 2015. Collection method: clinical testing. Allele origin: germline. Affected: no.

Mayo Clinic Laboratories, Mayo Clinic
Classification: Benign. Last evaluated: 2018-02-19. Review status: criteria provided, single submitter. Criteria: ACMG Guidelines, 2015. Collection method: clinical testing. Allele origin: germline. Observed: 10 variant alleles.

Illumina Laboratory Services, Illumina
Classification: Uncertain significance for MEGF10-related myopathy. Last evaluated: 2018-01-12. Review status: criteria provided, single submitter. Criteria: ICSL Variant Classification Criteria 13 December 2019. Collection method: clinical testing. Allele origin: germline.

GeneDx
Classification: Benign. Last evaluated: 2016-02-29. Review status: criteria provided, single submitter. Criteria: GeneDx Variant Classification (06012015). Collection method: clinical testing. Allele origin: germline. Affected: yes.
Comment: This variant is considered likely benign or benign based on one or more of the following criteria: it is a conservative change, it occurs at a poorly conserved position in the protein, it is predicted to be benign by multiple in silico algorithms, and/or has population frequency not consistent with disease.

PreventionGenetics, part of Exact Sciences
Classification: Benign. Review status: criteria provided, single submitter. Criteria: ACMG Guidelines, 2015. Collection method: clinical testing. Allele origin: germline.